The following is an entry in ClinVar:

NM_001165963.4(SCN1A):c.5797C>A (p.Arg1933=)

Genes: SCN1A (sodium voltage-gated channel alpha subunit 1; minus strand), LOC102724058 (uncharacterized LOC102724058; plus strand). Cytogenetic location: 2q24.3.
Variant type: single nucleotide variant.
Coding change: c.5797C>A on transcript NM_001165963.4 (MANE Select); coding-DNA position 5797, C replaced by A.
Protein change: p.Arg1933=; no amino-acid change (arginine 1933 retained).
Molecular consequence: synonymous variant. On other transcripts: non-coding transcript variant (1).
Genome position (GRCh38, 1-based): chr2:165,991,478, G>T on the plus strand (C>A on the coding strand, the complement: SCN1A is on the minus strand). VCF-style: chr2-165991478-G-T. GRCh37 (hg19) VCF-style: chr2-166847988-G-T.
Other names: c.5713C>A, p.Arg1905= (NM_001165964.3, NM_001353957.2, NM_001353958.2); c.5797C>A, p.Arg1933= (NM_001202435.3, NM_001353948.2); c.5764C>A, p.Arg1922= (NM_001353949.2, NM_001353950.2, NM_001353951.2 and 2 more transcripts); c.5761C>A, p.Arg1921= (NM_001353954.2, NM_001353955.2); c.5710C>A, p.Arg1904= (NM_001353960.2); c.3355C>A, p.Arg1119= (NM_001353961.2).
Identifiers: ClinVar variation 974982 (VCV000974982.4), dbSNP rs1351809843, ClinGen allele CA429975491.

ClinVar aggregate classification (germline): Likely benign. Review status: criteria provided, multiple submitters, no conflicts (2 of 4 stars). 2 submissions from 2 submitters: Likely benign (2). Last evaluated 2023-10-24.

Conditions:
Early-infantile DEE. Also called: Early infantile epileptic encephalopathy; Early infantile epileptic encephalopathy with suppression bursts; Ohtahara syndrome. Identifiers: Orphanet 1934, MedGen C0393706, MONDO:0800491.

Allele frequency attached by ClinVar (database versions not stated): gnomAD exomes below 0.00001.
gnomAD v4.1: 23 of 1,613,780 alleles (0.0014%); highest among the groups gnomAD compares: Admixed American, 0.0033%; no homozygotes.

Submissions (2):

Labcorp Genetics (formerly Invitae), Labcorp
Classification: Likely benign for Early-infantile DEE. Last evaluated: 2023-10-24. Review status: criteria provided, single submitter. Criteria: Invitae Variant Classification Sherloc (09022015). Collection method: clinical testing. Allele origin: germline.

Women's Health and Genetics/Laboratory Corporation of America, LabCorp
Classification: Likely benign. Last evaluated: 2020-07-13. Review status: criteria provided, single submitter. Criteria: LabCorp Variant Classification Summary - May 2015. Collection method: clinical testing. Allele origin: germline.
Comment: Variant summary: SCN1A c.5797C>A alters a non-conserved nucleotide resulting in a synonymous change. 4/4 computational tools predict no significant impact on normal splicing. However, these predictions have yet to be confirmed by functional studies. The variant allele was found at a frequency of 4e-06 in 250584 control chromosomes (gnomAD). The available data on variant occurrences in the general population are insufficient to allow any conclusion about variant significance. To our knowledge, no occurrence of c.5797C>A in individuals affected with SCN1A-Related Seizure Disorder and no experimental evidence demonstrating its impact on protein function have been reported. No clinical diagnostic laboratories have submitted clinical-significance assessments for this variant to ClinVar after 2014. Based on the evidence outlined above, the variant was classified as likely benign.